The following is an entry in ClinVar:

ClinVar aggregate classification (germline): Uncertain significance (1 of 4 stars; one submission).

Conditions:
Developmental and epileptic encephalopathy, 23 (DEE23). Also called: Epileptic encephalopathy, early infantile, 23. Identifiers: Orphanet 411986, MedGen C4014492, MONDO:0014371, OMIM 615859.

Allele frequency attached by ClinVar (database versions not stated): gnomAD exomes below 0.00001; TOPMed below 0.00001; gnomAD 0.00001.
gnomAD v4.1: 2 of 1,613,860 alleles (0.00012%); highest among the groups gnomAD compares: Non-Finnish European, 0.00017%; no homozygotes.

Submission:

Labcorp Genetics (formerly Invitae), Labcorp
Classification: Uncertain significance for Developmental and epileptic encephalopathy, 23. Last evaluated: 2021-09-01. Review status: criteria provided, single submitter. Criteria: Invitae Variant Classification Sherloc (09022015). Collection method: clinical testing. Allele origin: germline.
Comment: This sequence change replaces threonine with serine at codon 66 of the DOCK7 protein (p.Thr66Ser). The threonine residue is moderately conserved and there is a small physicochemical difference between threonine and serine. This variant is not present in population databases (ExAC no frequency). This variant has not been reported in the literature in individuals affected with DOCK7-related conditions. Algorithms developed to predict the effect of missense changes on protein structure and function (SIFT, PolyPhen-2, Align-GVGD) all suggest that this variant is likely to be tolerated. In summary, the available evidence is currently insufficient to determine the role of this variant in disease. Therefore, it has been classified as a Variant of Uncertain Significance.

NM_001367561.1(DOCK7):c.197C>G (p.Thr66Ser)

Gene: DOCK7 (dedicator of cytokinesis 7; minus strand). Cytogenetic location: 1p31.3.
Variant type: single nucleotide variant.
Coding change: c.197C>G on transcript NM_001367561.1 (MANE Select); coding-DNA position 197, C replaced by G.
Protein change: p.Thr66Ser; replaces threonine 66 with serine.
Molecular consequence: missense variant.
Genome position (GRCh38, 1-based): chr1:62,654,107, G>C on the plus strand (C>G on the coding strand, the complement: DOCK7 is on the minus strand). VCF-style: chr1-62654107-G-C. GRCh37 (hg19) VCF-style: chr1-63119778-G-C.
Other names: c.197C>G, p.Thr66Ser (NM_001271999.2, NM_001272000.2, NM_001272001.2 and 3 more transcripts); short protein forms T66S.
Identifiers: ClinVar variation 1005730 (VCV001005730.6), dbSNP rs1176883341, ClinGen allele CA340704385.